The following is an entry in ClinVar:

ClinVar aggregate classification (germline): Uncertain significance (1 of 4 stars; one submission).

Allele frequency attached by ClinVar (database versions not stated): gnomAD exomes below 0.00001.

Submission:

GeneDx
Classification: Uncertain significance. Last evaluated: 2016-11-01. Review status: criteria provided, single submitter. Criteria: GeneDx Variant Classification (06012015). Collection method: clinical testing. Allele origin: germline. Affected: yes.
Comment: The I608V variant in the BBS10 gene has not been reported previously as a pathogenic variant, nor as a benign variant, to our knowledge. The I608V variant was not observed in approximately 6,500 individuals of European and African American ancestry in the NHLBI Exome Sequencing Project, indicating it is not a common benign variant in these populations. The I608V variant is a conservative amino acid substitution, which is not likely to impact secondary protein structure as these residues share similar properties. This substitution occurs at a position where amino acids with similar properties to Isoleucine are tolerated across species. In silico analysis is inconsistent in its predictions as to whether or not the variant is damaging to the protein structure/function. We interpret I608V as a variant of uncertain significance.

NM_024685.4(BBS10):c.1822A>G (p.Ile608Val)

Gene: BBS10 (Bardet-Biedl syndrome 10; minus strand). Cytogenetic location: 12q21.2.
Variant type: single nucleotide variant.
Coding change: c.1822A>G on transcript NM_024685.4 (MANE Select); coding-DNA position 1822, A replaced by G.
Protein change: p.Ile608Val; replaces isoleucine 608 with valine.
Molecular consequence: missense variant.
Genome position (GRCh38, 1-based): chr12:76,346,163, T>C on the plus strand (A>G on the coding strand, the complement: BBS10 is on the minus strand). VCF-style: chr12-76346163-T-C. GRCh37 (hg19) VCF-style: chr12-76739943-T-C.
Other names: c.1822A>G, p.Ile608Val (LRG_1255t1); short protein forms I608V.
Identifiers: ClinVar variation 390481 (VCV000390481.2), dbSNP rs1057523787, ClinGen allele CA16606610.